The following is an entry in ClinVar:

ClinVar aggregate classification (germline): Conflicting classifications of pathogenicity. Review status: criteria provided, conflicting classifications (1 of 4 stars). 2 submissions from 2 submitters: Uncertain significance (1); Likely benign (1). Last evaluated 2024-07-09.

Allele frequency attached by ClinVar (database versions not stated): ExAC 0.00041; TOPMed 0.00044; gnomAD 0.00056; gnomAD exomes 0.00088.
gnomAD v4.1: 1,329 of 1,588,494 alleles (0.084%); highest among the groups gnomAD compares: Non-Finnish European, 0.1%; 2 homozygotes.

Submissions (2):

Ambry Genetics
Classification: Uncertain significance. Last evaluated: 2024-07-09. Review status: criteria provided, single submitter. Criteria: Ambry Variant Classification Scheme 2023. Collection method: clinical testing. Allele origin: germline.

CeGaT Center for Human Genetics Tuebingen
Classification: Likely benign. Last evaluated: 2022-09-01. Review status: criteria provided, single submitter. Criteria: CeGaT Center For Human Genetics Tuebingen Variant Classification Criteria Version 2. Collection method: clinical testing. Allele origin: germline. Affected: yes. Observed: 1 variant allele.
Comment: PIGZ: BP4, BS2

NM_025163.4(PIGZ):c.794C>T (p.Ala265Val)

Gene: PIGZ (phosphatidylinositol glycan anchor biosynthesis class Z (Gwada blood group); minus strand). Cytogenetic location: 3q29.
Variant type: single nucleotide variant.
Coding change: c.794C>T on transcript NM_025163.4 (MANE Select); coding-DNA position 794, C replaced by T.
Protein change: p.Ala265Val; replaces alanine 265 with valine.
Molecular consequence: missense variant.
Genome position (GRCh38, 1-based): chr3:196,948,103, G>A on the plus strand (C>T on the coding strand, the complement: PIGZ is on the minus strand). VCF-style: chr3-196948103-G-A. GRCh37 (hg19) VCF-style: chr3-196674974-G-A.
Other names: short protein forms A265V.
Identifiers: ClinVar variation 2344718 (VCV002344718.27), dbSNP rs759251329, ClinGen allele CA2783843.